The following is an entry in ClinVar:

NM_004655.4(AXIN2):c.1298A>T (p.Glu433Val)

Gene: AXIN2 (axin 2; minus strand). Cytogenetic location: 17q24.1.
Variant type: single nucleotide variant.
Coding change: c.1298A>T on transcript NM_004655.4 (MANE Select); coding-DNA position 1298, A replaced by T.
Protein change: p.Glu433Val; replaces glutamic acid 433 with valine.
Molecular consequence: missense variant.
Genome position (GRCh38, 1-based): chr17:65,537,738, T>A on the plus strand (A>T on the coding strand, the complement: AXIN2 is on the minus strand). VCF-style: chr17-65537738-T-A. GRCh37 (hg19) VCF-style: chr17-63533856-T-A.
Other names: c.1298A>T, p.Glu433Val (NM_001363813.1); short protein forms E433V.
Identifiers: ClinVar variation 855659 (VCV000855659.9), dbSNP rs1472777958, ClinGen allele CA400677789.

ClinVar aggregate classification (germline): Uncertain significance (1 of 4 stars; one submission).

Conditions:
Oligodontia-cancer predisposition syndrome. Also called: TOOTH AGENESIS-COLORECTAL CANCER SYNDROME. Identifiers: Orphanet 300576, MedGen C1837750, MONDO:0012075, OMIM 608615. Disease mechanism: loss of function.

Allele frequency attached by ClinVar (database versions not stated): gnomAD exomes below 0.00001 and 0.00001; gnomAD 0.00001; TOPMed 0.00001.
gnomAD v4.1: 2 of 1,566,972 alleles (0.00013%); highest among the groups gnomAD compares: Admixed American, 0.0038%; no homozygotes.

Submission:

Labcorp Genetics (formerly Invitae), Labcorp
Classification: Uncertain significance for Oligodontia-cancer predisposition syndrome. Last evaluated: 2022-09-07. Review status: criteria provided, single submitter. Criteria: Invitae Variant Classification Sherloc (09022015). Collection method: clinical testing. Allele origin: germline.
Comment: This sequence change replaces glutamic acid, which is acidic and polar, with valine, which is neutral and non-polar, at codon 433 of the AXIN2 protein (p.Glu433Val). This variant is present in population databases (no rsID available, gnomAD 0.004%). This variant has not been reported in the literature in individuals affected with AXIN2-related conditions. ClinVar contains an entry for this variant (Variation ID: 855659). Algorithms developed to predict the effect of missense changes on protein structure and function (SIFT, PolyPhen-2, Align-GVGD) all suggest that this variant is likely to be disruptive. Algorithms developed to predict the effect of sequence changes on RNA splicing suggest that this variant may create or strengthen a splice site. In summary, the available evidence is currently insufficient to determine the role of this variant in disease. Therefore, it has been classified as a Variant of Uncertain Significance.